The following is an entry in ClinVar:

ClinVar aggregate classification (germline): Uncertain significance. Review status: criteria provided, multiple submitters, no conflicts (2 of 4 stars). 2 submissions from 2 submitters: Uncertain significance (2). Last evaluated 2024-08-19.

Conditions:
Hereditary cancer-predisposing syndrome. Also called: Hereditary Cancer Syndrome; Neoplastic Syndromes, Hereditary; Tumor predisposition; Hereditary neoplastic syndrome. Identifiers: Orphanet 140162, MedGen C0027672, MeSH D009386, MONDO:0015356.
Familial adenomatous polyposis 1 (FAP1). Also called: FAMILIAL ADENOMATOUS POLYPOSIS 1, ATTENUATED; POLYPOSIS, ADENOMATOUS INTESTINAL. Identifiers: MedGen C2713442, MONDO:0021056, OMIM 175100. Disease mechanism: loss of function.

Submissions (2):

Labcorp Genetics (formerly Invitae), Labcorp
Classification: Uncertain significance for Familial adenomatous polyposis 1. Last evaluated: 2024-08-19. Review status: criteria provided, single submitter. Criteria: Invitae Variant Classification Sherloc (09022015). Collection method: clinical testing. Allele origin: germline.
Comment: This sequence change replaces valine, which is neutral and non-polar, with leucine, which is neutral and non-polar, at codon 1614 of the APC protein (p.Val1614Leu). This variant is not present in population databases (gnomAD no frequency). This variant has not been reported in the literature in individuals affected with APC-related conditions. ClinVar contains an entry for this variant (Variation ID: 1743507). Invitae Evidence Modeling of protein sequence and biophysical properties (such as structural, functional, and spatial information, amino acid conservation, physicochemical variation, residue mobility, and thermodynamic stability) indicates that this missense variant is not expected to disrupt APC protein function with a negative predictive value of 95%. In summary, the available evidence is currently insufficient to determine the role of this variant in disease. Therefore, it has been classified as a Variant of Uncertain Significance.

Ambry Genetics
Classification: Uncertain significance for Hereditary cancer-predisposing syndrome. Last evaluated: 2019-11-01. Review status: criteria provided, single submitter. Criteria: Ambry Variant Classification Scheme 2023. Collection method: clinical testing. Allele origin: germline.
Comment: The p.V1614L variant (also known as c.4840G>C), located in coding exon 15 of the APC gene, results from a G to C substitution at nucleotide position 4840. The valine at codon 1614 is replaced by leucine, an amino acid with highly similar properties. This amino acid position is highly conserved in available vertebrate species. In addition, in silico predictors for this gene do not accurately predict pathogenicity. Since supporting evidence is limited at this time, the clinical significance of this alteration remains unclear.

NM_000038.6(APC):c.4840G>C (p.Val1614Leu)

Gene: APC (APC regulator of Wnt signaling pathway; plus strand). Cytogenetic location: 5q22.2.
Variant type: single nucleotide variant.
Coding change: c.4840G>C on transcript NM_000038.6 (MANE Select); coding-DNA position 4840, G replaced by C.
Protein change: p.Val1614Leu; replaces valine 1614 with leucine.
Molecular consequence: missense variant.
Genome position (GRCh38, 1-based): chr5:112,840,434, G>C. VCF-style: chr5-112840434-G-C. GRCh37 (hg19) VCF-style: chr5-112176131-G-C.
Other names: c.4840G>C, p.Val1614Leu (NM_001127510.3, NM_001354895.2, NM_001407450.1); c.4786G>C, p.Val1596Leu (NM_001127511.3); c.4894G>C, p.Val1632Leu (NM_001354896.2, NM_001407447.1, NM_001407448.1 and 1 more transcripts); c.4870G>C, p.Val1624Leu (NM_001354897.2); c.4765G>C, p.Val1589Leu (NM_001354898.2); c.4756G>C, p.Val1586Leu (NM_001354899.2); c.4717G>C, p.Val1573Leu (NM_001354900.2); c.4663G>C, p.Val1555Leu (NM_001354901.2, NM_001407453.1); and 11 more; short protein forms V1488L, V1573L, V1589L, V1604L, V1624L, V1331L, V1531L, V1555L.
Identifiers: ClinVar variation 1743507 (VCV001743507.4), dbSNP rs1554086234, ClinGen allele CA16031935.
Genomic context (GRCh38, chr5:112,840,434, plus strand): 5'-CCAGCCCAGACTGCTTCAAAATTACCTCCACCTGTGGCAAGGAAACCAAGTCAGCTGCCT[G>C]TGTACAAACTTCTACCATCACAAAACAGGTTGCAACCCCAAAAGCATGTTAGTTTTACAC-3'
Protein context (NP_000029.2, residues 1604-1624): PVARKPSQLP[Val1614Leu]YKLLPSQNRL